The following is an entry in ClinVar:

ClinVar aggregate classification (germline): Uncertain significance (1 of 4 stars; one submission).

Conditions:
Peutz-Jeghers syndrome (PJS). Also called: POLYPOSIS, HAMARTOMATOUS INTESTINAL; POLYPS-AND-SPOTS SYNDROME; Peutz-Jeghers polyposis; Periorificial lentiginosis syndrome. Identifiers: Orphanet 2869, MedGen C0031269, MeSH D010580, MONDO:0008280, OMIM 175200.

Submission:

Labcorp Genetics (formerly Invitae), Labcorp
Classification: Uncertain significance for Peutz-Jeghers syndrome. Last evaluated: 2023-02-10. Review status: criteria provided, single submitter. Criteria: Invitae Variant Classification Sherloc (09022015). Collection method: clinical testing. Allele origin: germline.
Comment: In summary, the available evidence is currently insufficient to determine the role of this variant in disease. Therefore, it has been classified as a Variant of Uncertain Significance. Advanced modeling of protein sequence and biophysical properties (such as structural, functional, and spatial information, amino acid conservation, physicochemical variation, residue mobility, and thermodynamic stability) performed at Invitae indicates that this missense variant is not expected to disrupt STK11 protein function. This variant has not been reported in the literature in individuals affected with STK11-related conditions. This variant is not present in population databases (gnomAD no frequency). This sequence change replaces lysine, which is basic and polar, with arginine, which is basic and polar, at codon 96 of the STK11 protein (p.Lys96Arg).

NM_000455.5(STK11):c.287A>G (p.Lys96Arg)

Gene: STK11 (serine/threonine kinase 11; plus strand). Cytogenetic location: 19p13.3.
Variant type: single nucleotide variant.
Coding change: c.287A>G on transcript NM_000455.5 (MANE Select); coding-DNA position 287, A replaced by G.
Protein change: p.Lys96Arg; replaces lysine 96 with arginine.
Molecular consequence: missense variant. On other transcripts: non-coding transcript variant (1).
Genome position (GRCh38, 1-based): chr19:1,207,200, A>G. VCF-style: chr19-1207200-A-G. GRCh37 (hg19) VCF-style: chr19-1207199-A-G.
Other names: c.287A>G, p.Lys96Arg (NM_001407255.1); short protein forms K96R.
Identifiers: ClinVar variation 2810644 (VCV002810644.3), dbSNP rs2145406022, ClinGen allele CA402944643.
Genomic context (GRCh38, chr19:1,207,200, plus strand): 5'-CCGTCAAGATCCTCAAGAAGAAGAAGTTGCGAAGGATCCCCAACGGGGAGGCCAACGTGA[A>G]GAAGTAAGTATGGCTTGCTGGGGTCGGGGCCGGGCCGGGCCAGTCACGGTGCTGATGGTT-3'
Protein context (NP_000446.1, residues 86-106): RRIPNGEANV[Lys96Arg]KEIQLLRRLR